The following is an entry in ClinVar:

NM_053025.4(MYLK):c.3731C>G (p.Pro1244Arg)

Gene: MYLK (myosin light chain kinase; minus strand). Cytogenetic location: 3q21.1.
Variant type: single nucleotide variant.
Coding change: c.3731C>G on transcript NM_053025.4 (MANE Select); coding-DNA position 3731, C replaced by G.
Protein change: p.Pro1244Arg; replaces proline 1244 with arginine.
Molecular consequence: missense variant.
Genome position (GRCh38, 1-based): chr3:123,666,319, G>C on the plus strand (C>G on the coding strand, the complement: MYLK is on the minus strand). VCF-style: chr3-123666319-G-C. GRCh37 (hg19) VCF-style: chr3-123385166-G-C.
Other names: c.3203C>G, p.Pro1068Arg (NM_001321309.2); c.3524C>G, p.Pro1175Arg (NM_053026.4, NM_053028.4); c.3731C>G, p.Pro1244Arg (NM_053027.4); short protein forms P1068R, P1175R, P1244R.
Identifiers: ClinVar variation 2898771 (VCV002898771.3), dbSNP rs1196952053, ClinGen allele CA354230614.

ClinVar aggregate classification (germline): Uncertain significance (1 of 4 stars; one submission).

Conditions:
Aortic aneurysm, familial thoracic 7 (AAT7). Also called: AORTIC DISSECTION, FAMILIAL, WITH OR WITHOUT AORTIC ANEURYSM. Identifiers: MedGen C3151077, MONDO:0013418, OMIM 613780.

Allele frequency attached by ClinVar (database versions not stated): gnomAD exomes below 0.00001; gnomAD 0.00001.
gnomAD v4.1: 2 of 1,614,092 alleles (0.00012%); highest among the groups gnomAD compares: Non-Finnish European, 0.000085%; no homozygotes.

Submission:

Labcorp Genetics (formerly Invitae), Labcorp
Classification: Uncertain significance for Aortic aneurysm, familial thoracic 7. Last evaluated: 2023-10-23. Review status: criteria provided, single submitter. Criteria: Invitae Variant Classification Sherloc (09022015). Collection method: clinical testing. Allele origin: germline.
Comment: This sequence change replaces proline, which is neutral and non-polar, with arginine, which is basic and polar, at codon 1244 of the MYLK protein (p.Pro1244Arg). This variant is present in population databases (no rsID available, gnomAD 0.004%). This variant has not been reported in the literature in individuals affected with MYLK-related conditions. Advanced modeling of protein sequence and biophysical properties (such as structural, functional, and spatial information, amino acid conservation, physicochemical variation, residue mobility, and thermodynamic stability) performed at Invitae indicates that this missense variant is not expected to disrupt MYLK protein function. In summary, the available evidence is currently insufficient to determine the role of this variant in disease. Therefore, it has been classified as a Variant of Uncertain Significance.